The following is an entry in ClinVar:

NM_001042492.3(NF1):c.3584C>T (p.Thr1195Ile)

Gene: NF1 (neurofibromin 1; plus strand). Cytogenetic location: 17q11.2.
Variant type: single nucleotide variant.
Coding change: c.3584C>T on transcript NM_001042492.3 (MANE Select); coding-DNA position 3584, C replaced by T.
Protein change: p.Thr1195Ile; replaces threonine 1195 with isoleucine.
Molecular consequence: missense variant.
Genome position (GRCh38, 1-based): chr17:31,233,089, C>T. VCF-style: chr17-31233089-C-T. GRCh37 (hg19) VCF-style: chr17-29560107-C-T.
Other names: c.3584C>T, p.Thr1195Ile (NM_000267.4); short protein forms T1195I.
Identifiers: ClinVar variation 1732924 (VCV001732924.6), dbSNP rs2151435499, ClinGen allele CA398990185.

ClinVar aggregate classification (germline): Uncertain significance. Review status: criteria provided, multiple submitters, no conflicts (2 of 4 stars). 3 submissions from 3 submitters: Uncertain significance (3). Last evaluated 2023-09-27.

Conditions:
Neurofibromatosis, type 1 (NF1). Also called: Peripheral type neurofibromatosis; VON RECKLINGHAUSEN DISEASE; NEUROFIBROMATOSIS, TYPE I, SOMATIC; Neurofibromatosis, type I. Identifiers: Orphanet 636, MedGen C0027831, MONDO:0018975, OMIM 162200. Disease mechanism: loss of function.
Cardiovascular phenotype. Identifiers: MedGen CN230736.
Hereditary cancer-predisposing syndrome. Also called: Hereditary Cancer Syndrome; Hereditary neoplastic syndrome; Neoplastic Syndromes, Hereditary; Tumor predisposition. Identifiers: Orphanet 140162, MedGen C0027672, MeSH D009386, MONDO:0015356.

gnomAD v4.1: 3 of 1,614,194 alleles (0.00019%); highest among the groups gnomAD compares: Non-Finnish European, 0.00025%; no homozygotes.

Submissions (3):

Blueprint Genetics
Classification: Uncertain significance. Last evaluated: 2023-09-27. Review status: criteria provided, single submitter. Criteria: ACMG Guidelines, 2015. Collection method: clinical testing. Allele origin: germline.

Ambry Genetics
Classification: Uncertain significance for Cardiovascular phenotype; Hereditary cancer-predisposing syndrome. Last evaluated: 2023-06-06. Review status: criteria provided, single submitter. Criteria: Ambry Variant Classification Scheme 2023. Collection method: clinical testing. Allele origin: germline.
Comment: The p.T1195I variant (also known as c.3584C>T), located in coding exon 27 of the NF1 gene, results from a C to T substitution at nucleotide position 3584. The threonine at codon 1195 is replaced by isoleucine, an amino acid with similar properties. This amino acid position is highly conserved in available vertebrate species. In addition, this alteration is predicted to be deleterious by in silico analysis. Since supporting evidence is limited at this time, the clinical significance of this alteration remains unclear.

Labcorp Genetics (formerly Invitae), Labcorp
Classification: Uncertain significance for Neurofibromatosis, type 1. Last evaluated: 2023-04-27. Review status: criteria provided, single submitter. Criteria: Invitae Variant Classification Sherloc (09022015). Collection method: clinical testing. Allele origin: germline.
Comment: This sequence change replaces threonine, which is neutral and polar, with isoleucine, which is neutral and non-polar, at codon 1195 of the NF1 protein (p.Thr1195Ile). This variant is not present in population databases (gnomAD no frequency). This variant has not been reported in the literature in individuals affected with NF1-related conditions. ClinVar contains an entry for this variant (Variation ID: 1732924). Advanced modeling of protein sequence and biophysical properties (such as structural, functional, and spatial information, amino acid conservation, physicochemical variation, residue mobility, and thermodynamic stability) performed at Invitae indicates that this missense variant is expected to disrupt NF1 protein function. In summary, the available evidence is currently insufficient to determine the role of this variant in disease. Therefore, it has been classified as a Variant of Uncertain Significance.